The following is an entry in ClinVar:

ClinVar aggregate classification (germline): Uncertain significance. Review status: criteria provided, multiple submitters, no conflicts (2 of 4 stars). 2 submissions from 2 submitters: Uncertain significance (2). Last evaluated 2025-01-06.

Conditions:
Predisposition to invasive fungal disease due to CARD9 deficiency (IMD103). Also called: CARD9 IMMUNODEFICIENCY; IMMUNODEFICIENCY 103, SUSCEPTIBILITY TO FUNGAL INFECTIONS; Candidiasis, familial, 2, autosomal recessive. Identifiers: Orphanet 457088, MedGen C1859353, MONDO:0008905, OMIM 212050.

Allele frequency attached by ClinVar (database versions not stated): gnomAD 0.00001 and 0.00002; gnomAD exomes 0.00002 and 0.00005; TOPMed 0.00002; ExAC 0.00007; 1000 Genomes Project 30x 0.00016; 1000 Genomes Project 0.00020.
gnomAD v4.1: 34 of 1,602,320 alleles (0.0021%); highest among the groups gnomAD compares: South Asian, 0.021%; no homozygotes.

Submissions (2):

Labcorp Genetics (formerly Invitae), Labcorp
Classification: Uncertain significance for Predisposition to invasive fungal disease due to CARD9 deficiency. Last evaluated: 2025-01-06. Review status: criteria provided, single submitter. Criteria: Invitae Variant Classification Sherloc (09022015). Collection method: clinical testing. Allele origin: germline.
Comment: This sequence change affects codon 107 of the CARD9 mRNA. It is a 'silent' change, meaning that it does not change the encoded amino acid sequence of the CARD9 protein. It affects a nucleotide within the consensus splice site. This variant is present in population databases (rs201249152, gnomAD 0.02%). This variant has not been reported in the literature in individuals affected with CARD9-related conditions. ClinVar contains an entry for this variant (Variation ID: 912906). Algorithms developed to predict the effect of sequence changes on RNA splicing suggest that this variant is not likely to affect RNA splicing. In summary, the available evidence is currently insufficient to determine the role of this variant in disease. Therefore, it has been classified as a Variant of Uncertain Significance.

Illumina Laboratory Services, Illumina
Classification: Uncertain significance for Predisposition to invasive fungal disease due to CARD9 deficiency. Last evaluated: 2018-01-13. Review status: criteria provided, single submitter. Criteria: ICSL Variant Classification Criteria 13 December 2019. Collection method: clinical testing. Allele origin: germline.

NM_052813.5(CARD9):c.321C>T (p.Ile107=)

Gene: CARD9 (caspase recruitment domain family member 9; minus strand). Cytogenetic location: 9q34.3.
Variant type: single nucleotide variant.
Coding change: c.321C>T on transcript NM_052813.5 (MANE Select); coding-DNA position 321, C replaced by T.
Protein change: p.Ile107=; no amino-acid change (isoleucine 107 retained).
Molecular consequence: synonymous variant.
Genome position (GRCh38, 1-based): chr9:136,371,325, G>A on the plus strand (C>T on the coding strand, the complement: CARD9 is on the minus strand). VCF-style: chr9-136371325-G-A. GRCh37 (hg19) VCF-style: chr9-139265777-G-A.
Other names: c.321C>T, p.Ile107= (NM_052814.4).
Identifiers: ClinVar variation 912906 (VCV000912906.8), dbSNP rs201249152, ClinGen allele CA5333188.